The following is an entry in ClinVar:

NM_001382241.1(TNPO2):c.681C>T (p.Pro227=)

Gene: TNPO2 (transportin 2; minus strand). Cytogenetic location: 19p13.13.
Variant type: single nucleotide variant.
Coding change: c.681C>T on transcript NM_001382241.1 (MANE Select); coding-DNA position 681, C replaced by T.
Protein change: p.Pro227=; no amino-acid change (proline 227 retained).
Molecular consequence: synonymous variant. On other transcripts: non-coding transcript variant (6).
Genome position (GRCh38, 1-based): chr19:12,715,137, G>A on the plus strand (C>T on the coding strand, the complement: TNPO2 is on the minus strand). VCF-style: chr19-12715137-G-A. GRCh37 (hg19) VCF-style: chr19-12825951-G-A.
Other names: c.681C>T, p.Pro227= (NM_001136195.2, NM_001136196.2, NM_001382236.1 and 7 more transcripts).
Identifiers: ClinVar variation 4988587 (VCV004988587.1).

ClinVar aggregate classification (germline): Likely benign (1 of 4 stars; one submission).

Conditions:
TNPO2-related disorder. Also called: TNPO2-related condition.

gnomAD v4.1: 366 of 1,603,732 alleles (0.023%); highest among the groups gnomAD compares: African/African-American, 0.3%; 2 homozygotes.

Submission:

PreventionGenetics, part of Exact Sciences
Classification: Likely benign for TNPO2-related condition. Last evaluated: 2026-03-01. Review status: criteria provided, single submitter. Criteria: ACMG Guidelines, 2015. Collection method: clinical testing. Allele origin: germline.
Comment: This variant is classified as likely benign based on ACMG/AMP sequence variant interpretation guidelines (Richards et al. 2015 PMID: 25741868, with internal and published modifications).